The following is an entry in ClinVar:

NM_000051.4(ATM):c.359T>C (p.Leu120Pro)

Gene: ATM (ATM serine/threonine kinase; plus strand). Cytogenetic location: 11q22.3.
Variant type: single nucleotide variant.
Coding change: c.359T>C on transcript NM_000051.4 (MANE Select); coding-DNA position 359, T replaced by C.
Protein change: p.Leu120Pro; replaces leucine 120 with proline.
Molecular consequence: missense variant.
Genome position (GRCh38, 1-based): chr11:108,235,697, T>C. VCF-style: chr11-108235697-T-C. GRCh37 (hg19) VCF-style: chr11-108106424-T-C.
Other names: c.359T>C, p.Leu120Pro (NM_001351834.2); short protein forms L120P.
Identifiers: ClinVar variation 489538 (VCV000489538.21), dbSNP rs1555059081, ClinGen allele CA382524679.

ClinVar aggregate classification (germline): Uncertain significance. Review status: criteria provided, multiple submitters, no conflicts (2 of 4 stars). 6 submissions from 6 submitters: Uncertain significance (6). Last evaluated 2025-08-20.

Conditions:
Hereditary cancer-predisposing syndrome. Also called: Tumor predisposition; Neoplastic Syndromes, Hereditary; Hereditary Cancer Syndrome; Hereditary neoplastic syndrome. Identifiers: Orphanet 140162, MedGen C0027672, MeSH D009386, MONDO:0015356.
Familial cancer of breast. Also called: BREAST CANCER, FAMILIAL; hereditary breast carcinoma; Hereditary breast cancer. Identifiers: Orphanet 227535, MedGen C0346153, MONDO:0016419, OMIM 114480. Disease mechanism: loss of function.
Ataxia-telangiectasia syndrome (AT). Also called: Ataxia-telangiectasia; Ataxia-telangiectasia, complementation group D; AT, COMPLEMENTATION GROUP C; LOUIS-BAR SYNDROME; Cerebello-oculocutaneous telangiectasia; Immunodeficiency with ataxia telangiectasia. Identifiers: Orphanet 100, MedGen C0004135, MONDO:0008840, OMIM 208900.

Allele frequency attached by ClinVar (database versions not stated): TOPMed below 0.00001.

Submissions (6):

Ambry Genetics
Classification: Uncertain significance for Hereditary cancer-predisposing syndrome. Last evaluated: 2025-08-20. Review status: criteria provided, single submitter. Criteria: Ambry Variant Classification Scheme 2023. Collection method: clinical testing. Allele origin: germline.
Comment: The p.L120P variant (also known as c.359T>C), located in coding exon 4 of the ATM gene, results from a T to C substitution at nucleotide position 359. The leucine at codon 120 is replaced by proline, an amino acid with similar properties. This amino acid position is conserved. In addition, this alteration is predicted to be deleterious by in silico analysis. Since supporting evidence is limited at this time, the clinical significance of this alteration remains unclear.

Labcorp Genetics (formerly Invitae), Labcorp
Classification: Uncertain significance for Ataxia-telangiectasia syndrome. Last evaluated: 2025-08-11. Review status: criteria provided, single submitter. Criteria: Invitae Variant Classification Sherloc (09022015). Collection method: clinical testing. Allele origin: germline.
Comment: This sequence change replaces leucine, which is neutral and non-polar, with proline, which is neutral and non-polar, at codon 120 of the ATM protein (p.Leu120Pro). This variant is not present in population databases (gnomAD no frequency). This variant has not been reported in the literature in individuals affected with ATM-related conditions. ClinVar contains an entry for this variant (Variation ID: 489538). Invitae Evidence Modeling of protein sequence and biophysical properties (such as structural, functional, and spatial information, amino acid conservation, physicochemical variation, residue mobility, and thermodynamic stability) has been performed for this missense variant. However, the output from this modeling did not meet the statistical confidence thresholds required to predict the impact of this variant on ATM protein function. In summary, the available evidence is currently insufficient to determine the role of this variant in disease. Therefore, it has been classified as a Variant of Uncertain Significance.

Center for Genomic Medicine, Rigshospitalet, Copenhagen University Hospital
Classification: Uncertain significance. Last evaluated: 2025-03-04. Review status: criteria provided, single submitter. Criteria: ACMG Guidelines, 2015. Collection method: clinical testing. Allele origin: germline.

Color Diagnostics, LLC DBA Color Health
Classification: Uncertain significance for Hereditary cancer-predisposing syndrome. Last evaluated: 2023-12-05. Review status: criteria provided, single submitter. Criteria: ACMG Guidelines, 2015. Collection method: clinical testing. Allele origin: germline.
Comment: This missense variant replaces leucine with proline at codon 120 of the ATM protein. Computational prediction suggests that this variant may have deleterious impact on protein structure and function (internally defined REVEL score threshold >= 0.7, PMID: 27666373). To our knowledge, functional studies have not been reported for this variant. This variant has not been reported in individuals affected with ATM-related disorders in the literature. This variant has not been identified in the general population by the Genome Aggregation Database (gnomAD). The available evidence is insufficient to determine the role of this variant in disease conclusively. Therefore, this variant is classified as a Variant of Uncertain Significance.

Baylor Genetics
Classification: Uncertain significance for Familial cancer of breast. Last evaluated: 2023-08-20. Review status: criteria provided, single submitter. Criteria: ACMG Guidelines, 2015. Collection method: clinical testing. Allele origin: unknown.

MGZ Medical Genetics Center
Classification: Uncertain significance for Familial cancer of breast. Last evaluated: 2021-08-31. Review status: criteria provided, single submitter. Criteria: ACMG Guidelines, 2015. Collection method: clinical testing. Allele origin: germline. Affected: yes. Observed: 1 variant allele.
Comment: ACMG criteria applied: PM2_SUP